The following is an entry in ClinVar:

ClinVar aggregate classification (germline): Uncertain significance (1 of 4 stars; one submission).

Conditions:
Peroxisome biogenesis disorder 7A (Zellweger). Also called: Peroxisome biogenesis disorder 7A. Identifiers: Orphanet 912, MedGen C3888385, MONDO:0013938, OMIM 614872.
Peroxisome biogenesis disorder 7B (PBD7B). Identifiers: Orphanet 44, MedGen C3553951, MONDO:0013939, OMIM 614873.

Allele frequency attached by ClinVar (database versions not stated): TOPMed below 0.00001.

Submission:

Labcorp Genetics (formerly Invitae), Labcorp
Classification: Uncertain significance for Peroxisome biogenesis disorder 7A (Zellweger); Peroxisome biogenesis disorder 7B. Last evaluated: 2022-05-27. Review status: criteria provided, single submitter. Criteria: Invitae Variant Classification Sherloc (09022015). Collection method: clinical testing. Allele origin: germline.
Comment: This sequence change replaces leucine, which is neutral and non-polar, with phenylalanine, which is neutral and non-polar, at codon 37 of the PEX26 protein (p.Leu37Phe). This variant is not present in population databases (gnomAD no frequency). This variant has not been reported in the literature in individuals affected with PEX26-related conditions. Algorithms developed to predict the effect of missense changes on protein structure and function are either unavailable or do not agree on the potential impact of this missense change (SIFT: "Deleterious"; PolyPhen-2: "Possibly Damaging"; Align-GVGD: "Class C0"). In summary, the available evidence is currently insufficient to determine the role of this variant in disease. Therefore, it has been classified as a Variant of Uncertain Significance.

NM_001127649.3(PEX26):c.109C>T (p.Leu37Phe)

Gene: PEX26 (peroxisomal biogenesis factor 26; plus strand). Cytogenetic location: 22q11.21.
Variant type: single nucleotide variant.
Coding change: c.109C>T on transcript NM_001127649.3 (MANE Select); coding-DNA position 109, C replaced by T.
Protein change: p.Leu37Phe; replaces leucine 37 with phenylalanine.
Molecular consequence: missense variant.
Genome position (GRCh38, 1-based): chr22:18,078,485, C>T. VCF-style: chr22-18078485-C-T. GRCh37 (hg19) VCF-style: chr22-18561251-C-T.
Other names: c.109C>T, p.Leu37Phe (NM_001199319.2, NM_017929.6); short protein forms L37F.
Identifiers: ClinVar variation 1499561 (VCV001499561.8), dbSNP rs1926397048, ClinGen allele CA410264592.